The following is an entry in ClinVar:

ClinVar aggregate classification (germline): Uncertain significance (1 of 4 stars; one submission).

Conditions:
Early-infantile DEE. Also called: Early infantile epileptic encephalopathy with suppression bursts; Early infantile epileptic encephalopathy; Ohtahara syndrome. Identifiers: Orphanet 1934, MedGen C0393706, MONDO:0800491.

Submission:

Labcorp Genetics (formerly Invitae), Labcorp
Classification: Uncertain significance for Early-infantile DEE. Last evaluated: 2025-06-29. Review status: criteria provided, single submitter. Criteria: Invitae Variant Classification Sherloc (09022015). Collection method: clinical testing. Allele origin: germline.
Comment: This sequence change replaces proline, which is neutral and non-polar, with alanine, which is neutral and non-polar, at codon 669 of the SCN1A protein (p.Pro669Ala). This variant is not present in population databases (gnomAD no frequency). This variant has not been reported in the literature in individuals affected with SCN1A-related conditions. Invitae Evidence Modeling of protein sequence and biophysical properties (such as structural, functional, and spatial information, amino acid conservation, physicochemical variation, residue mobility, and thermodynamic stability) indicates that this missense variant is expected to disrupt SCN1A protein function with a positive predictive value of 80%. In summary, the available evidence is currently insufficient to determine the role of this variant in disease. Therefore, it has been classified as a Variant of Uncertain Significance.

NM_001165963.4(SCN1A):c.2005C>G (p.Pro669Ala)

Gene: SCN1A (sodium voltage-gated channel alpha subunit 1; minus strand). Cytogenetic location: 2q24.3.
Variant type: single nucleotide variant.
Coding change: c.2005C>G on transcript NM_001165963.4 (MANE Select); coding-DNA position 2005, C replaced by G.
Protein change: p.Pro669Ala; replaces proline 669 with alanine.
Molecular consequence: missense variant. On other transcripts: 5 prime UTR variant (1), non-coding transcript variant (1), intron variant (4).
Genome position (GRCh38, 1-based): chr2:166,043,707, G>C on the plus strand (C>G on the coding strand, the complement: SCN1A is on the minus strand). VCF-style: chr2-166043707-G-C. GRCh37 (hg19) VCF-style: chr2-166900217-G-C.
Other names: c.2005C>G, p.Pro669Ala (NM_001202435.3, NM_001353948.2, NM_001353949.2 and 4 more transcripts); c.2002C>G, p.Pro668Ala (NM_001353954.2, NM_001353955.2); c.-421C>G (NM_001353961.2); c.1959+46C>G (NM_001353958.2, NM_001353957.2, NM_001165964.3); c.1956+46C>G (NM_001353960.2); short protein forms P668A, P669A.
Identifiers: ClinVar variation 4800285 (VCV004800285.1).